The following is an entry in ClinVar:

NM_000537.4(REN):c.1085G>T (p.Cys362Phe)

Gene: REN (renin; minus strand). Cytogenetic location: 1q32.1.
Variant type: single nucleotide variant.
Coding change: c.1085G>T on transcript NM_000537.4 (MANE Select); coding-DNA position 1085, G replaced by T.
Protein change: p.Cys362Phe; replaces cysteine 362 with phenylalanine.
Molecular consequence: missense variant.
Genome position (GRCh38, 1-based): chr1:204,155,152, C>A on the plus strand (G>T on the coding strand, the complement: REN is on the minus strand). VCF-style: chr1-204155152-C-A. GRCh37 (hg19) VCF-style: chr1-204124280-C-A.
Other names: short protein forms C362F.
Identifiers: ClinVar variation 4849210 (VCV004849210.1).

ClinVar aggregate classification (germline): Uncertain significance (1 of 4 stars; one submission).

Conditions:
Familial juvenile hyperuricemic nephropathy type 2 (ADTKD4). Also called: Autosomal Dominant Tubulointerstitial Kidney Disease – REN; EARLY-ONSET HYPERURICEMIA, ANEMIA, AND PROGRESSIVE KIDNEY FAILURE. Identifiers: Orphanet 217330, MedGen C2751310, MONDO:0013128, OMIM 613092.

Submission:

MVZ Medizinische Genetik Mainz
Classification: Uncertain significance for Familial juvenile hyperuricemic nephropathy type 2. Last evaluated: 2026-03-24. Review status: criteria provided, single submitter. Criteria: UK Practice Guidelines For Variant Classification V4 01 2020. Collection method: clinical testing. Allele origin: germline. Inheritance: Autosomal dominant inheritance. Affected: yes. Observed: 1 variant allele.
Comment: ACMG Criteria: PM2_SUP,PM5_SUP,PP3